The following is an entry in ClinVar:

ClinVar aggregate classification (germline): Uncertain significance. Review status: criteria provided, multiple submitters, no conflicts (2 of 4 stars). 2 submissions from 2 submitters: Uncertain significance (2). Last evaluated 2022-08-06.

Conditions:
Developmental and epileptic encephalopathy, 1 (DEE1). Also called: Epileptic encephalopathy, early infantile, 1; X-linked infantile spasms; West's syndrome; Tonic spasms with clustering, arrest of psychomotor development and hypsarrhythmia on EEG; X-Linked Infantile Spasm Syndrome; INFANTILE SPASM SYNDROME, X-LINKED 1. Identifiers: MedGen C3463992, MONDO:0010632, OMIM 308350. Disease mechanism: loss of function.
Intellectual disability, X-linked, with or without seizures, ARX-related. Also called: INTELLECTUAL DEVELOPMENTAL DISORDER, X-LINKED 29; MENTAL RETARDATION, X-LINKED 29; MENTAL RETARDATION, X-LINKED 32; MENTAL RETARDATION, X-LINKED 33; MENTAL RETARDATION, X-LINKED 38; MENTAL RETARDATION, X-LINKED 43. Identifiers: Orphanet 777, MedGen C0796244, MONDO:0010317, OMIM 300419.

Submissions (2):

Labcorp Genetics (formerly Invitae), Labcorp
Classification: Uncertain significance for Developmental and epileptic encephalopathy, 1; Intellectual disability, X-linked, with or without seizures, ARX-related. Last evaluated: 2022-08-06. Review status: criteria provided, single submitter. Criteria: Invitae Variant Classification Sherloc (09022015). Collection method: clinical testing. Allele origin: germline.
Comment: This sequence change replaces glycine, which is neutral and non-polar, with alanine, which is neutral and non-polar, at codon 193 of the ARX protein (p.Gly193Ala). The frequency data for this variant in the population databases is considered unreliable, as metrics indicate insufficient coverage at this position in the gnomAD database. This variant has not been reported in the literature in individuals affected with ARX-related conditions. ClinVar contains an entry for this variant (Variation ID: 1686468). Advanced modeling of protein sequence and biophysical properties (such as structural, functional, and spatial information, amino acid conservation, physicochemical variation, residue mobility, and thermodynamic stability) performed at Invitae indicates that this missense variant is not expected to disrupt ARX protein function. In summary, the available evidence is currently insufficient to determine the role of this variant in disease. Therefore, it has been classified as a Variant of Uncertain Significance.

Mendelics
Classification: Uncertain significance. Last evaluated: 2022-05-04. Review status: criteria provided, single submitter. Criteria: Mendelics Assertion Criteria 2019. Collection method: clinical testing. Allele origin: germline.

NM_139058.3(ARX):c.578G>C (p.Gly193Ala)

Gene: ARX (aristaless related homeobox; minus strand). Cytogenetic location: Xp21.3.
Variant type: single nucleotide variant.
Coding change: c.578G>C on transcript NM_139058.3 (MANE Select); coding-DNA position 578, G replaced by C.
Protein change: p.Gly193Ala; replaces glycine 193 with alanine.
Molecular consequence: missense variant.
Genome position (GRCh38, 1-based): chrX:25,013,417, C>G on the plus strand (G>C on the coding strand, the complement: ARX is on the minus strand). VCF-style: chrX-25013417-C-G. GRCh37 (hg19) VCF-style: chrX-25031534-C-G.
Other names: short protein forms G193A.
Identifiers: ClinVar variation 1686468 (VCV001686468.6), dbSNP rs2147324028, ClinGen allele CA412612874.
Genomic context (GRCh38, chrX:25,013,417, plus strand): 5'-CTGCCCGGGCCGCCGGCCACGCCGAGGCGCTCCTCCGGGTGCGTGACGCCCCCCGGGCCG[C>G]CCAGCTCGTCCAGCGCGGGCGGCGGCGGCACGAAGGGCGCCCCGTTCTCGCGGTACGACT-3'
Protein context (NP_620689.1, residues 183-203): VPPPPALDEL[Gly193Ala]GPGGVTHPEE